The following is an entry in ClinVar:

ClinVar aggregate classification (germline): Pathogenic (1 of 4 stars; one submission).

Conditions:
Familial cancer of breast. Also called: Hereditary breast cancer; BREAST CANCER, FAMILIAL; hereditary breast carcinoma. Identifiers: Orphanet 227535, MedGen C0346153, MONDO:0016419, OMIM 114480. Disease mechanism: loss of function.

Submission:

Myriad Genetics, Inc.
Classification: Pathogenic for Familial cancer of breast. Last evaluated: 2023-09-14. Review status: criteria provided, single submitter. Criteria: Myriad Autosomal Dominant, Autosomal Recessive and X-Linked Classification Criteria (2023). Collection method: clinical testing. Allele origin: unknown.
Comment: This variant is considered pathogenic. This variant creates a frameshift predicted to result in premature protein truncation.

NM_024675.4(PALB2):c.3264del (p.Val1089fs)

Gene: PALB2 (partner and localizer of BRCA2; minus strand). Cytogenetic location: 16p12.2.
Variant type: Deletion.
Coding change: c.3264del on transcript NM_024675.4 (MANE Select); coding-DNA position 3264, one base deleted (T; older notation c.3264delT).
Protein change: p.Val1089fs; shifts the reading frame from valine 1089.
Molecular consequence: frameshift variant. On other transcripts: intron variant (8).
Genome position (GRCh38, 1-based): chr16:23,607,950, A deleted on the plus strand (T on the coding strand, the reverse complement: PALB2 is on the minus strand). VCF-style (leftmost placement, unchanged base first): chr16-23607949-CA-C. GRCh37 (hg19) VCF-style: chr16-23619270-CA-C.
Other names: c.3204del, p.Val1069fs (NM_001407296.1); c.3192del, p.Val1065fs (NM_001407297.1); c.3102del, p.Val1035fs (NM_001407298.1); c.2985del, p.Val996fs (NM_001407300.1); c.2379del, p.Val794fs (NM_001407304.1, NM_001407305.1, NM_001407306.1); c.2217del, p.Val740fs (NM_001407307.1); c.1476del, p.Val493fs (NM_001407312.1); c.798del, p.Val267fs (NM_001407314.1); and 6 more; short protein forms V1035fs, V1065fs, V1069fs, V1089fs, V267fs, V493fs, V740fs, V794fs.
Identifiers: ClinVar variation 2674166 (VCV002674166.1), dbSNP rs2506216974, ClinGen allele CA2695197591.